The following is an entry in ClinVar:

ClinVar aggregate classification (germline): Uncertain significance (1 of 4 stars; one submission).

Conditions:
Fabry disease. Also called: ALPHA-GALACTOSIDASE A DEFICIENCY; ANDERSON-FABRY DISEASE; CERAMIDE TRIHEXOSIDASE DEFICIENCY; GLA DEFICIENCY; HEREDITARY DYSTOPIC LIPIDOSIS; Angiokeratoma corporis diffusum. Identifiers: Orphanet 324, MedGen C0002986, MONDO:0010526, OMIM 301500, HP:0001071. Disease mechanism: Fabry disease is due to inactivating mutations in the X-linked GLA gene resulting in deficiency of the enzyme Alpha Galactosidase-A., loss of function.

Submission:

Genomenon, Inc
Classification: Uncertain significance for Fabry disease. Last evaluated: 2026-09-08. Review status: criteria provided, single submitter. Criteria: Genomenon Sequence Variant Interpretation Standards - Updated. Collection method: curation. Allele origin: germline. Affected: yes.
Comment: GLA p.Ala73Val (c.218C>T) is a missense variant that changes the amino acid at codon 73 from Alanine to Valine. This variant has been observed in at least one proband with clinical features consistent with Fabry disease (PMID:38202225;16773563). Functional or patient cell studies have been reported (PMID:32023956;16773563;25409744;23935525;27657681). It is absent or not present at a significant frequency in gnomAD. In silico models predict that this variant is possibly or probably damaging. In conclusion, we classify GLA p.Ala73Val (c.218C>T) as a variant of uncertain significance.

Literature cited by the submitters: PubMed 38202225; PubMed 16773563; PubMed 32023956; PubMed 25409744; PubMed 23935525; PubMed 27657681.

NM_000169.3(GLA):c.218C>T (p.Ala73Val)

Genes: GLA (galactosidase alpha; minus strand), RPL36A-HNRNPH2 (RPL36A-HNRNPH2 readthrough; plus strand). Cytogenetic location: Xq22.1.
Variant type: single nucleotide variant.
Coding change: c.218C>T on transcript NM_000169.3 (MANE Select); coding-DNA position 218, C replaced by T.
Protein change: p.Ala73Val; replaces alanine 73 with valine.
Molecular consequence: missense variant. On other transcripts: non-coding transcript variant (3), intron variant (2).
Genome position (GRCh38, 1-based): chrX:101,403,962, G>A on the plus strand (C>T on the coding strand, the complement: GLA is on the minus strand). VCF-style: chrX-101403962-G-A. GRCh37 (hg19) VCF-style: chrX-100658950-G-A.
Other names: c.341C>T, p.Ala114Val (NM_001406747.1, NM_001406749.1); c.218C>T, p.Ala73Val (NM_001406748.1); c.301-7974G>A (NM_001199973.2); c.178-7974G>A (NM_001199974.2); short protein forms A114V, A73V.
Identifiers: ClinVar variation 4087308 (VCV004087308.2).